The following is an entry in ClinVar:

ClinVar aggregate classification (germline): Uncertain significance (1 of 4 stars; one submission).

Conditions:
Nemaline myopathy 2 (NEM2). Also called: Nemaline myopathy 2, autosomal recessive. Identifiers: MedGen C1850569, MONDO:0009725, OMIM 256030.

Allele frequency attached by ClinVar (database versions not stated): gnomAD exomes below 0.00001.
gnomAD v4.1: 1 of 1,608,112 alleles (0.000062%); highest among the groups gnomAD compares: Admixed American, 0.0017%; no homozygotes.

Submission:

Labcorp Genetics (formerly Invitae), Labcorp
Classification: Uncertain significance for Nemaline myopathy 2. Last evaluated: 2022-08-19. Review status: criteria provided, single submitter. Criteria: Invitae Variant Classification Sherloc (09022015). Collection method: clinical testing. Allele origin: germline.
Comment: Algorithms developed to predict the effect of missense changes on protein structure and function are either unavailable or do not agree on the potential impact of this missense change (SIFT: "Deleterious"; PolyPhen-2: "Not Available"; Align-GVGD: "Class C0"). In summary, the available evidence is currently insufficient to determine the role of this variant in disease. Therefore, it has been classified as a Variant of Uncertain Significance. This variant has not been reported in the literature in individuals affected with NEB-related conditions. The frequency data for this variant in the population databases is considered unreliable, as metrics indicate poor data quality at this position in the gnomAD database. This sequence change replaces serine, which is neutral and polar, with proline, which is neutral and non-polar, at codon 6770 of the NEB protein (p.Ser6770Pro).

NM_001164508.2(NEB):c.20308T>C (p.Ser6770Pro)

Gene: NEB (nebulin; minus strand). Cytogenetic location: 2q23.3.
Variant type: single nucleotide variant.
Coding change: c.20308T>C on transcript NM_001164508.2 (MANE Select); coding-DNA position 20308, T replaced by C.
Protein change: p.Ser6770Pro; replaces serine 6770 with proline.
Molecular consequence: missense variant.
Genome position (GRCh38, 1-based): chr2:151,547,488, A>G on the plus strand (T>C on the coding strand, the complement: NEB is on the minus strand). VCF-style: chr2-151547488-A-G. GRCh37 (hg19) VCF-style: chr2-152404002-A-G.
Other names: c.20308T>C, p.Ser6770Pro (NM_001164507.2, NM_001271208.2); c.15205T>C, p.Ser5069Pro (NM_004543.5); short protein forms S5069P, S6770P.
Identifiers: ClinVar variation 1980345 (VCV001980345.4), dbSNP rs1209451410, ClinGen allele CA348783057.